The following is an entry in ClinVar:

NM_006231.4(POLE):c.4609C>G (p.Leu1537Val)

Gene: POLE (DNA polymerase epsilon, catalytic subunit; minus strand). Cytogenetic location: 12q24.33.
Variant type: single nucleotide variant.
Coding change: c.4609C>G on transcript NM_006231.4 (MANE Select); coding-DNA position 4609, C replaced by G.
Protein change: p.Leu1537Val; replaces leucine 1537 with valine.
Molecular consequence: missense variant.
Genome position (GRCh38, 1-based): chr12:132,642,939, G>C on the plus strand (C>G on the coding strand, the complement: POLE is on the minus strand). VCF-style: chr12-132642939-G-C. GRCh37 (hg19) VCF-style: chr12-133219525-G-C.
Other names: short protein forms L1537V.
Identifiers: ClinVar variation 2625247 (VCV002625247.2), dbSNP rs1418237375, ClinGen allele CA387379179.

ClinVar aggregate classification (germline): Uncertain significance (1 of 4 stars; one submission).

Conditions:
Hereditary cancer-predisposing syndrome. Also called: Tumor predisposition; Hereditary Cancer Syndrome; Hereditary neoplastic syndrome; Neoplastic Syndromes, Hereditary. Identifiers: Orphanet 140162, MedGen C0027672, MeSH D009386, MONDO:0015356.

gnomAD v4.1: 1 of 1,612,118 alleles (0.000062%); highest among the groups gnomAD compares: Non-Finnish European, 0.000085%; no homozygotes.

Submission:

Ambry Genetics
Classification: Uncertain significance for Hereditary cancer-predisposing syndrome. Last evaluated: 2023-08-29. Review status: criteria provided, single submitter. Criteria: Ambry Variant Classification Scheme 2023. Collection method: clinical testing. Allele origin: germline.
Comment: The p.L1537V variant (also known as c.4609C>G), located in coding exon 36 of the POLE gene, results from a C to G substitution at nucleotide position 4609. The leucine at codon 1537 is replaced by valine, an amino acid with highly similar properties. This amino acid position is conserved. In addition, this alteration is predicted to be tolerated by in silico analysis. Since supporting evidence is limited at this time, the clinical significance of this alteration remains unclear.